The following is an entry in ClinVar:

NM_001370658.1(BTD):c.1372G>A (p.Ala458Thr)

Gene: BTD (biotinidase; plus strand). Cytogenetic location: 3p25.1.
Variant type: single nucleotide variant.
Coding change: c.1372G>A on transcript NM_001370658.1 (MANE Select); coding-DNA position 1372, G replaced by A.
Protein change: p.Ala458Thr; replaces alanine 458 with threonine.
Molecular consequence: missense variant. On other transcripts: intron variant (2).
Genome position (GRCh38, 1-based): chr3:15,645,288, G>A. VCF-style: chr3-15645288-G-A. GRCh37 (hg19) VCF-style: chr3-15686795-G-A.
Other names: c.1015+357G>A (NM_001370752.1); c.399+3231G>A (NM_001370753.1); c.1372G>A, p.Ala458Thr (NM_001407376.1, NM_001407377.1, NM_001407378.1 and 16 more transcripts); c.1432G>A, p.Ala478Thr (NM_000060.4); short protein forms A458T.
Identifiers: ClinVar variation 25108 (VCV000025108.24), dbSNP rs181396238, ClinGen allele CA278372.

ClinVar aggregate classification (germline): Conflicting classifications of pathogenicity. Review status: criteria provided, conflicting classifications (1 of 4 stars). 9 submissions from 9 submitters: Pathogenic (1); Likely pathogenic (5); Uncertain significance (2). 1 of the submissions does not count toward it. Last evaluated 2026-01-19.

Conditions:
Inborn genetic diseases. Identifiers: MedGen C0950123, MeSH D030342.
Biotinidase deficiency. Also called: Biotin deficiency; BTD deficiency; Late-onset biotin-responsive multiple carboxylase deficiency. Identifiers: Orphanet 79241, MedGen C0220754, MONDO:0009665, OMIM 253260.

Allele frequency attached by ClinVar (database versions not stated): TOPMed 0.00015; 1000 Genomes Project 30x 0.00047; 1000 Genomes Project 0.00060; gnomAD 0.00014 and 0.00015.
gnomAD v4.1: 29 of 1,614,194 alleles (0.0018%); highest among the groups gnomAD compares: Admixed American, 0.043%; no homozygotes.

Submissions (9):

Variantyx, Inc.
Classification: Likely pathogenic for Biotinidase deficiency. Last evaluated: 2026-01-19. Review status: criteria provided, single submitter. Criteria: Variantyx Assertion Criteria 2022. Collection method: clinical testing. Allele origin: germline. Inheritance: Autosomal recessive inheritance. Affected: yes.
Comment: This is a nonsynonymous variant in the BTD gene (OMIM: 609019). Pathogenic variants in this gene have been associated with autosomal recessive biotinidase deficiency. This variant has been identified in the homozygous or compound heterozygous state in at least one individual with biotinidase deficiency reported in the published literature (PMID:26810761)(PM3). An alternate amino acid change at this position (p.Ala458Pro) has been previously reported in an affected individual, which suggests that this residue is biologically important (PMID: 19757147) (PM5), and multiple computational algorithms predict a deleterious effect for this variant (REVEL score: 0.799) (PP3). This variant has a 0.0433% maximum allele frequency in non-founder control populations (PM2). Based on the current evidence, this variant is classified as likely pathogenic for autosomal recessive biotinidase deficiency.

Labcorp Genetics (formerly Invitae), Labcorp
Classification: Pathogenic for Biotinidase deficiency. Last evaluated: 2025-12-29. Review status: criteria provided, single submitter. Criteria: Invitae Variant Classification Sherloc (09022015). Collection method: clinical testing. Allele origin: germline.
Comment: This sequence change replaces alanine, which is neutral and non-polar, with threonine, which is neutral and polar, at codon 478 of the BTD protein (p.Ala478Thr). This variant is present in population databases (rs181396238, gnomAD 0.01%). This missense change has been observed in individual(s) with biotinidase deficiency (PMID: 26810761). ClinVar contains an entry for this variant (Variation ID: 25108). Invitae Evidence Modeling of protein sequence and biophysical properties (such as structural, functional, and spatial information, amino acid conservation, physicochemical variation, residue mobility, and thermodynamic stability) indicates that this missense variant is expected to disrupt BTD protein function with a positive predictive value of 95%. This variant disrupts the p.Ala478 amino acid residue in BTD. Other variant(s) that disrupt this residue have been observed in individuals with BTD-related conditions (PMID: 19757147), which suggests that this may be a clinically significant amino acid residue. For these reasons, this variant has been classified as Pathogenic.

Natera, Inc.
Classification: Likely pathogenic for Biotinidase deficiency. Last evaluated: 2025-11-15. Review status: criteria provided, single submitter. Criteria: Natera Variant Classification Schema (03/2026). Collection method: clinical testing. Allele origin: germline.
Comment: The c.1372G>A variant in BTD is a missense variant predicted to cause substitution of alanine to threonine at amino acid 458. This variant is rare in the general population with a frequency below the threshold expected for the associated phenotype(s). This variant has been observed in one or more individuals affected with the associated recessive disease, as either homozygous or compound heterozygous with a second variant (PMID: 26810761). This variant has been identified in one or more affected individual with a phenotype highly consistent with the associated gene (PMID: 26810761). A different variant at the same position has been determined to be Pathogenic or Likely Pathogenic. Computational prediction algorithms indicate this variant is likely to affect gene or protein function. Given the available evidence, this variant is classified as Likely Pathogenic.

Women's Health and Genetics/Laboratory Corporation of America, LabCorp
Classification: Likely pathogenic for Biotinidase deficiency. Last evaluated: 2025-08-25. Review status: criteria provided, single submitter. Criteria: LabCorp Variant Classification Summary - May 2015. Collection method: clinical testing. Allele origin: germline.
Comment: Variant summary: BTD c.1372G>A (p.Ala458Thr) results in a non-conservative amino acid change in the encoded protein sequence. Algorithms developed to predict the effect of missense changes on protein structure and function all suggest that this variant is likely to be disruptive. The variant allele was found at a frequency of 8e-06 in 251444 control chromosomes. The available data on variant occurrences in the general population are insufficient to allow any conclusion about variant significance. c.1372G>A has been reported in a compound heterozygous individual affected with Biotinidase Deficiency (Procter_2016). These data do not allow any conclusion about variant significance. A different variant affecting the same codon has been classified as likely pathogenic/pathogenic by our lab (c.1372G>C, p.Ala458Pro), supporting the critical relevance of codon 458 to BTD protein function. To our knowledge, no experimental evidence demonstrating an impact on protein function has been reported. The following publication have been ascertained in the context of this evaluation (PMID: 26810761). ClinVar contains an entry for this variant (Variation ID: 25108). Based on the evidence outlined above, the variant was classified as likely pathogenic.

ARUP Laboratories, Molecular Genetics and Genomics, ARUP Laboratories
Classification: Uncertain significance for Biotinidase deficiency. Last evaluated: 2025-07-29. Review status: criteria provided, single submitter. Criteria: ARUP Molecular Germline Variant Investigation Process 2024. Collection method: clinical testing. Allele origin: germline.
Comment: The BTD c.1372G>A; p.Ala458Thr variant (rs181396238, ClinVar Variation ID: 25108), also known as c.1432G>A; p.Ala478Thr for NM_000060.2, is reported in the literature in an individual affected with partial biotinidase deficiency (Procter 2016). This variant is found in the Admixed American population with an allele frequency of 0.006% (2/34592 alleles) in the Genome Aggregation Database (v2.1.1). Computational analyses predict that this variant is deleterious (REVEL: 0.799). Due to limited information, the clinical significance of this variant is uncertain at this time. References: Procter M et al. Forty-eight novel mutations causing biotinidase deficiency. Mol Genet Metab. 2016 Mar;117(3):369-72. PMID: 26810761

Baylor Genetics
Classification: Likely pathogenic for Biotinidase deficiency. Last evaluated: 2024-03-29. Review status: criteria provided, single submitter. Criteria: ACMG Guidelines, 2015. Collection method: clinical testing. Allele origin: unknown.

Quest Diagnostics Nichols Institute San Juan Capistrano
Classification: Likely pathogenic. Last evaluated: 2023-04-04. Review status: criteria provided, single submitter. Criteria: Quest Diagnostics criteria. Collection method: clinical testing. Allele origin: unknown.
Comment: The frequency of this variant in the general population, 0.000008 (2/251444 chromosomes), is uninformative in assessment of its pathogenicity. In the published literature, the variant has been reported in an individual with biotinidase deficiency (PMID: 2681076 (2016)). Functional analysis demonstrated this variant to cause a low BTD serum level compared to a matched control (PMID: 2681076 (2016)). Analysis of this variant using bioinformatics tools for the prediction of the effect of amino acid changes on protein structure and function yielded predictions that this variant is damaging. Based on the available information, this variant is classified as likely pathogenic.

Ambry Genetics
Classification: Uncertain significance for Inborn genetic diseases. Last evaluated: 2018-10-31. Review status: criteria provided, single submitter. Criteria: Ambry exome assertion method (8-5-2015). Collection method: clinical testing. Allele origin: germline. Affected: yes. Observed: 1 variant allele.

Counsyl
Classification: Uncertain significance for Biotinidase deficiency. Last evaluated: 2018-04-12. Review status: no assertion criteria provided. Collection method: clinical testing. Allele origin: unknown. Not counted in ClinVar's aggregate classification.

Literature cited by the submitters: PubMed 26810761 (cited by 7 submitters); PubMed 19757147 (cited by Variantyx, Inc. and Labcorp Genetics (formerly Invitae), Labcorp).